The following is an entry in ClinVar:

NM_032040.5(CCDC8):c.1426A>C (p.Lys476Gln)

Gene: CCDC8 (coiled-coil domain containing 8 subunit of 3M complex; minus strand). Cytogenetic location: 19q13.32.
Variant type: single nucleotide variant.
Coding change: c.1426A>C on transcript NM_032040.5 (MANE Select); coding-DNA position 1426, A replaced by C.
Protein change: p.Lys476Gln; replaces lysine 476 with glutamine.
Molecular consequence: missense variant.
Genome position (GRCh38, 1-based): chr19:46,411,385, T>G on the plus strand (A>C on the coding strand, the complement: CCDC8 is on the minus strand). VCF-style: chr19-46411385-T-G. GRCh37 (hg19) VCF-style: chr19-46914642-T-G.
Other names: short protein forms K476Q.
Identifiers: ClinVar variation 1429062 (VCV001429062.6), dbSNP rs201582742, ClinGen allele CA9528490.

ClinVar aggregate classification (germline): Uncertain significance (1 of 4 stars; one submission).

Allele frequency attached by ClinVar (database versions not stated): gnomAD exomes 0.00001; ExAC 0.00002; gnomAD 0.00005; 1000 Genomes Project 30x 0.00031; 1000 Genomes Project 0.00040.
gnomAD v4.1: 20 of 1,614,210 alleles (0.0012%); highest among the groups gnomAD compares: African/African-American, 0.023%; no homozygotes.

Submission:

Labcorp Genetics (formerly Invitae), Labcorp
Classification: Uncertain significance. Last evaluated: 2025-09-15. Review status: criteria provided, single submitter. Criteria: Invitae Variant Classification Sherloc (09022015). Collection method: clinical testing. Allele origin: germline.
Comment: This sequence change replaces lysine, which is basic and polar, with glutamine, which is neutral and polar, at codon 476 of the CCDC8 protein (p.Lys476Gln). This variant is present in population databases (rs201582742, gnomAD 0.01%). This variant has not been reported in the literature in individuals affected with CCDC8-related conditions. ClinVar contains an entry for this variant (Variation ID: 1429062). An algorithm developed to predict the effect of missense changes on protein structure and function (PolyPhen-2) suggests that this variant is likely to be disruptive. In summary, the available evidence is currently insufficient to determine the role of this variant in disease. Therefore, it has been classified as a Variant of Uncertain Significance.